The following is an entry in ClinVar:

ClinVar aggregate classification (germline): Uncertain significance (1 of 4 stars; one submission).

Conditions:
ASIP-related condition.

gnomAD v4.1: 8 of 1,557,214 alleles (0.00051%); highest among the groups gnomAD compares: Admixed American, 0.0038%; no homozygotes.

Submission:

PreventionGenetics, part of Exact Sciences
Classification: Uncertain significance for ASIP-related condition. Last evaluated: 2026-05-21. Review status: criteria provided, single submitter. Criteria: ACMG Guidelines, 2015. Collection method: clinical testing. Allele origin: germline.
Comment: The ASIP c.356T>G variant is predicted to result in the amino acid substitution p.Phe119Cys. To our knowledge, this variant has not been reported in the literature. This variant is reported in 0.0039% of alleles in individuals of Latino descent in gnomAD. At this time, the clinical significance of this variant is uncertain due to the absence of conclusive functional and genetic evidence.

NM_001672.3(ASIP):c.356T>G (p.Phe119Cys)

Genes: AHCY (adenosylhomocysteinase; minus strand), ASIP (agouti signaling protein; plus strand). Cytogenetic location: 20q11.22.
Variant type: single nucleotide variant.
Coding change: c.356T>G on transcript NM_001672.3 (MANE Select); coding-DNA position 356, T replaced by G.
Protein change: p.Phe119Cys; replaces phenylalanine 119 with cysteine.
Molecular consequence: missense variant.
Genome position (GRCh38, 1-based): chr20:34,269,124, T>G. VCF-style: chr20-34269124-T-G. GRCh37 (hg19) VCF-style: chr20-32856930-T-G.
Other names: c.356T>G, p.Phe119Cys (NM_001385218.1); short protein forms F119C.
Identifiers: ClinVar variation 4986820 (VCV004986820.1).